The following is an entry in ClinVar:

ClinVar aggregate classification (germline): Uncertain significance. Review status: criteria provided, multiple submitters, no conflicts (2 of 4 stars). 4 submissions from 4 submitters: Uncertain significance (4). Last evaluated 2024-06-04.

Conditions:
Hypogonadotropic hypogonadism 5 with or without anosmia (KAL5). Also called: HYPOGONADOTROPIC HYPOGONADISM 5 WITH ANOSMIA; HYPOGONADOTROPHIC HYPOGONADISM 5 WITHOUT ANOSMIA; CHD7-Related GnRH Deficiency (Kallmann Syndrome 5). Identifiers: Orphanet 478, MedGen C3552553, MONDO:0012880, OMIM 612370. Disease mechanism: loss of function.
CHARGE syndrome (CHARGE). Also called: Coloboma, heart anomaly, choanal atresia, retardation, genital and ear anomalies; CHARGE association; Hall-Hittner syndrome; Hittner Hirsch Kreh syndrome; CHARGE ASSOCIATION--COLOBOMA, HEART ANOMALY, CHOANAL ATRESIA, RETARDATION, GENITAL AND EAR ANOMALIES. Identifiers: Orphanet 138, MedGen C0265354, MONDO:0008965.

Allele frequency attached by ClinVar (database versions not stated): gnomAD 0.00001; gnomAD exomes 0.00001 and 0.00002; TOPMed 0.00001; ExAC 0.00002.
gnomAD v4.1: 20 of 1,613,664 alleles (0.0012%); highest among the groups gnomAD compares: South Asian, 0.0077%; no homozygotes.

Submissions (4):

Fulgent Genetics
Classification: Uncertain significance for CHD7-related CHARGE syndrome; Hypogonadotropic hypogonadism 5 with or without anosmia. Last evaluated: 2024-06-04. Review status: criteria provided, single submitter. Criteria: ACMG Guidelines, 2015. Collection method: clinical testing. Allele origin: germline.

Institute of Medical Genetics and Applied Genomics, University Hospital Tübingen
Classification: Uncertain significance for Hypogonadotropic hypogonadism 5 with or without anosmia. Last evaluated: 2022-12-08. Review status: criteria provided, single submitter. Criteria: ACMG Guidelines, 2015. Collection method: clinical testing. Allele origin: germline. Inheritance: Autosomal dominant inheritance. Affected: yes.

Labcorp Genetics (formerly Invitae), Labcorp
Classification: Uncertain significance for CHARGE syndrome. Last evaluated: 2021-04-03. Review status: criteria provided, single submitter. Criteria: Invitae Variant Classification Sherloc (09022015). Collection method: clinical testing. Allele origin: germline.
Comment: In summary, the available evidence is currently insufficient to determine the role of this variant in disease. Therefore, it has been classified as a Variant of Uncertain Significance. Advanced modeling of protein sequence and biophysical properties (such as structural, functional, and spatial information, amino acid conservation, physicochemical variation, residue mobility, and thermodynamic stability) performed at Invitae indicates that this missense variant is expected to disrupt CHD7 protein function. This variant has not been reported in the literature in individuals with CHD7-related conditions. This variant is present in population databases (rs753233210, ExAC 0.006%). This sequence change replaces arginine with cysteine at codon 1100 of the CHD7 protein (p.Arg1100Cys). The arginine residue is highly conserved and there is a large physicochemical difference between arginine and cysteine.

Blueprint Genetics
Classification: Uncertain significance. Last evaluated: 2020-07-17. Review status: criteria provided, single submitter. Criteria: ACMG Guidelines, 2015. Collection method: clinical testing. Allele origin: germline.

NM_017780.4(CHD7):c.3298C>T (p.Arg1100Cys)

Gene: CHD7 (chromodomain helicase DNA binding protein 7; plus strand). Cytogenetic location: 8q12.2.
Variant type: single nucleotide variant.
Coding change: c.3298C>T on transcript NM_017780.4 (MANE Select); coding-DNA position 3298, C replaced by T.
Protein change: p.Arg1100Cys; replaces arginine 1100 with cysteine.
Molecular consequence: missense variant. On other transcripts: intron variant (1).
Genome position (GRCh38, 1-based): chr8:60,823,936, C>T. VCF-style: chr8-60823936-C-T. GRCh37 (hg19) VCF-style: chr8-61736495-C-T.
Other names: c.1717-38293C>T (NM_001316690.1); short protein forms R1100C.
Identifiers: ClinVar variation 1495061 (VCV001495061.11), dbSNP rs753233210, ClinGen allele CA4759923.
Genomic context (GRCh38, chr8:60,823,936, plus strand): 5'-ATCATCACTACATTTGAGATGATTTTGACTGATTGTCCTGAGCTGCGGAATATTCCATGG[C>T]GCTGTGTAGTCATTGATGAAGCCCACAGGCTGAAGAACAGGAACTGCAAGCTGTTGGAGG-3'
Protein context (NP_060250.2, residues 1090-1110): DCPELRNIPW[Arg1100Cys]CVVIDEAHRL